The following is an entry in ClinVar:

NM_000037.4(ANK1):c.3648_3658del (p.Cys1216_Pro1217insTer)

Gene: ANK1 (ankyrin 1; minus strand). Cytogenetic location: 8p11.21.
Variant type: Deletion.
Coding change: c.3648_3658del on transcript NM_000037.4 (MANE Select); coding-DNA positions 3648 to 3658, 11 bases deleted (TCCTCGGACTG).
Protein change: p.Cys1216_Pro1217insTer.
Molecular consequence: frameshift variant.
Genome position (GRCh38, 1-based): chr8:41,692,848-41,692,858, CAGTCCGAGGA deleted on the plus strand (TCCTCGGACTG on the coding strand, the reverse complement: ANK1 is on the minus strand); deleting any 11 consecutive bases within chr8:41,692,848-41,692,866 gives the same sequence; the c. name uses the placement nearest the transcript's 3' end. VCF-style (leftmost placement, unchanged base first): chr8-41692847-GCAGTCCGAGGA-G. GRCh37 (hg19) VCF-style: chr8-41550365-GCAGTCCGAGGA-G.
Other names: c.3771_3781del, p.Cys1257_Pro1258insTer (NM_001142446.2); c.3648_3658del, p.Cys1216_Pro1217insTer (NM_020475.3, NM_020476.3, NM_020477.3).
Identifiers: ClinVar variation 3766897 (VCV003766897.2).

ClinVar aggregate classification (germline): Pathogenic/Likely pathogenic. Review status: criteria provided, multiple submitters, no conflicts (2 of 4 stars). 2 submissions from 2 submitters: Pathogenic (1); Likely pathogenic (1). Last evaluated 2024-10-15.

Conditions:
Hereditary spherocytosis type 1. Also called: Spherocytosis type 1; ANK1-Related Spherocytosis. Identifiers: Orphanet 822, MedGen C2674218, MONDO:0008447, OMIM 182900.
ANK1-related disorder. Also called: ANK1-related condition.

Submissions (2):

ARUP Laboratories, Molecular Genetics and Genomics, ARUP Laboratories
Classification: Likely pathogenic for Hereditary spherocytosis type 1. Last evaluated: 2024-10-15. Review status: criteria provided, single submitter. Criteria: ARUP Molecular Germline Variant Investigation Process 2024. Collection method: clinical testing. Allele origin: germline.
Comment: The ANK1 c.3648_3658del; p.Pro1217Ter variant is reported in the literature in one individual affected with spherocytosis (Park 2016). This variant is absent from the Genome Aggregation Database (v2.1.1), indicating it is not a common polymorphism. This variant induces an early termination codon and is predicted to result in a truncated protein or mRNA subject to nonsense-mediated decay. Based on available information, this variant is considered to be likely pathogenic. References: Park J et al. Mutational characteristics of ANK1 and SPTB genes in hereditary spherocytosis. Clin Genet. 2016 Jul. PMID: 26830532.

Blueprint Genetics
Classification: Pathogenic for ANK1-related disorders. Last evaluated: 2021-04-14. Review status: criteria provided, single submitter. Criteria: ACMG Guidelines, 2015. Collection method: clinical testing. Allele origin: germline. Affected: yes. Observed: 1 variant allele.